The following is an entry in ClinVar:

NM_000179.3(MSH6):c.3635dup (p.Asp1213fs)

Gene: MSH6 (mutS homolog 6; plus strand). Cytogenetic location: 2p16.3.
Variant type: Duplication.
Coding change: c.3635dup on transcript NM_000179.3 (MANE Select); coding-DNA position 3635, one base duplicated (T; older notation c.3635dupT).
Protein change: p.Asp1213fs; shifts the reading frame from aspartic acid 1213.
Molecular consequence: frameshift variant.
Genome position (GRCh38, 1-based): chr2:47,805,696, T duplicated. VCF-style (leftmost placement, unchanged base first): chr2-47805695-G-GT. GRCh37 (hg19) VCF-style: chr2-48032834-G-GT.
Other names: c.3245dup, p.Asp1083fs (NM_001281492.2); c.2729dup, p.Asp911fs (NM_001281493.2, NM_001281494.2); short protein forms D1083fs, D911fs, D1213fs.
Identifiers: ClinVar variation 89427 (VCV000089427.2), dbSNP rs63750731, ClinGen allele CA013580.
Genomic context (GRCh38, chr2:47,805,695, plus strand): 5'-GTTGAATTAAGTGAAACTGCCAGCATACTCATGCATGCAACAGCACATTCTCTGGTGCTT[G>GT]TGGATGAATTAGGTAAGACATTAAACTTCTCATTTGAAGACTATCTATCTTAAAAACATT-3'

ClinVar aggregate classification (germline): Pathogenic (3 of 4 stars; one submission).

Conditions:
Lynch syndrome. Identifiers: Orphanet 144, MedGen C4552100, MONDO:0005835. Disease mechanism: loss of function.

Submission:

International Society for Gastrointestinal Hereditary Tumours (InSiGHT)
Classification: Pathogenic for Lynch Syndrome. Last evaluated: 2013-09-05. Review status: reviewed by expert panel. Criteria: Guidelines v1.9. Collection method: research. Allele origin: germline.
Comment: Coding sequence variation resulting in a stop codon

Classified with v1.9 guidelines